The following is an entry in ClinVar:

ClinVar aggregate classification (germline): Benign/Likely benign. Review status: criteria provided, multiple submitters, no conflicts (2 of 4 stars). 6 submissions from 6 submitters: Benign (1); Likely benign (5). Last evaluated 2025-12-03.

Conditions:
Inborn genetic diseases. Identifiers: MedGen C0950123, MeSH D030342.
Baller-Gerold syndrome (BGS). Also called: CRANIOSYNOSTOSIS WITH RADIAL DEFECTS. Identifiers: Orphanet 1225, MedGen C0265308, MONDO:0009039, OMIM 218600.
Rapadilino syndrome. Identifiers: Orphanet 3021, MedGen C1849453, MONDO:0009955, OMIM 266280.

Allele frequency attached by ClinVar (database versions not stated): gnomAD exomes 0.00009 and 0.00016; TOPMed 0.00010; gnomAD 0.00016.
gnomAD v4.1: 146 of 1,560,108 alleles (0.0094%); highest among the groups gnomAD compares: Non-Finnish European, 0.012%; no homozygotes.

Submissions (6):

Labcorp Genetics (formerly Invitae), Labcorp
Classification: Likely benign for Baller-Gerold syndrome. Last evaluated: 2025-12-03. Review status: criteria provided, single submitter. Criteria: Invitae Variant Classification Sherloc (09022015). Collection method: clinical testing. Allele origin: germline.

CeGaT Center for Human Genetics Tuebingen
Classification: Likely benign. Last evaluated: 2025-08-01. Review status: criteria provided, single submitter. Criteria: CeGaT Center For Human Genetics Tuebingen Variant Classification Criteria Version 2. Collection method: clinical testing. Allele origin: germline. Affected: yes. Observed: 3 variant alleles.
Comment: RECQL4: BP4, BP7

KCCC/NGS Laboratory, Kuwait Cancer Control Center
Classification: Benign for Rapadilino syndrome. Last evaluated: 2025-02-01. Review status: criteria provided, single submitter. Criteria: ACMG Guidelines, 2015. Collection method: clinical testing. Allele origin: germline. Affected: no.

Ambry Genetics
Classification: Likely benign for Inborn genetic diseases. Last evaluated: 2024-11-22. Review status: criteria provided, single submitter. Criteria: Ambry Variant Classification Scheme 2023. Collection method: clinical testing. Allele origin: germline.

Blueprint Genetics
Classification: Likely benign. Last evaluated: 2024-10-11. Review status: criteria provided, single submitter. Criteria: ACMG Guidelines, 2015. Collection method: clinical testing. Allele origin: germline.

GeneDx
Classification: Likely benign. Last evaluated: 2021-03-08. Review status: criteria provided, single submitter. Criteria: GeneDx Variant Classification Process June 2021. Collection method: clinical testing. Allele origin: germline. Affected: yes.

NM_004260.4(RECQL4):c.2031C>T (p.Ser677=)

Gene: RECQL4 (RecQ like helicase 4; minus strand). Cytogenetic location: 8q24.3.
Variant type: single nucleotide variant.
Coding change: c.2031C>T on transcript NM_004260.4 (MANE Select); coding-DNA position 2031, C replaced by T.
Protein change: p.Ser677=; no amino-acid change (serine 677 retained).
Molecular consequence: synonymous variant.
Genome position (GRCh38, 1-based): chr8:144,513,955, G>A on the plus strand (C>T on the coding strand, the complement: RECQL4 is on the minus strand). VCF-style: chr8-144513955-G-A. GRCh37 (hg19) VCF-style: chr8-145739339-G-A.
Identifiers: ClinVar variation 414195 (VCV000414195.54), dbSNP rs749542193, ClinGen allele CA4948540.